The following is an entry in ClinVar:

NM_000038.6(APC):c.904C>T (p.Arg302Ter)

Gene: APC (APC regulator of Wnt signaling pathway; plus strand). Cytogenetic location: 5q22.2.
Variant type: single nucleotide variant.
Coding change: c.904C>T on transcript NM_000038.6 (MANE Select); coding-DNA position 904, C replaced by T.
Protein change: p.Arg302Ter; replaces arginine 302 with a stop codon.
Molecular consequence: nonsense.
Genome position (GRCh38, 1-based): chr5:112,815,564, C>T. VCF-style: chr5-112815564-C-T. GRCh37 (hg19) VCF-style: chr5-112151261-C-T.
Other names: c.904C>T, p.Arg302Ter (NM_001127510.3, NM_001354895.2, NM_001354896.2 and 1 more transcripts); c.850C>T, p.Arg284Ter (NM_001127511.3); c.934C>T, p.Arg312Ter (NM_001354897.2, NM_001354902.2); c.829C>T, p.Arg277Ter (NM_001354898.2, NM_001354904.2); c.820C>T, p.Arg274Ter (NM_001354899.2); c.727C>T, p.Arg243Ter (NM_001354900.2, NM_001354901.2, NM_001354905.2); c.55C>T, p.Arg19Ter (NM_001354906.2); short protein forms R302*, R284*, R19*, R274*, R277*, R312*, R243*.
Identifiers: ClinVar variation 798 (VCV000000798.39), dbSNP rs137854568, ClinGen allele CA015644.

ClinVar aggregate classification (germline): Pathogenic/Likely pathogenic. Review status: criteria provided, multiple submitters, no conflicts (2 of 4 stars). 18 submissions from 17 submitters: Pathogenic (12); Likely pathogenic (1). 5 of the submissions do not count toward it. Last evaluated 2025-04-08.
ClinVar aggregate classification (oncogenicity): Likely oncogenic (1 of 4 stars; one submission).

Conditions:
Hereditary cancer-predisposing syndrome. Also called: Hereditary Cancer Syndrome; Tumor predisposition; Hereditary neoplastic syndrome; Neoplastic Syndromes, Hereditary. Identifiers: Orphanet 140162, MedGen C0027672, MeSH D009386, MONDO:0015356.
Classic or attenuated familial adenomatous polyposis. Identifiers: MedGen CN372698, MONDO:0021057.
Familial adenomatous polyposis 1 (FAP1). Also called: FAMILIAL ADENOMATOUS POLYPOSIS 1, ATTENUATED; POLYPOSIS, ADENOMATOUS INTESTINAL. Identifiers: MedGen C2713442, MONDO:0021056, OMIM 175100. Disease mechanism: loss of function.
Colorectal cancer, susceptibility to. Identifiers: MedGen C1858438.
Familial multiple polyposis syndrome (FAP). Also called: Classic familial adenomatous polyposis; Familial polyposis; Familial adenomatous polyposis; Familial intestinal polyposis; Familial Adenomatous Polyposis (FAP). Identifiers: Orphanet 733, MedGen C0032580, MONDO:0021055. Disease mechanism: loss of function.
Gardner syndrome (GS). Also called: Gardner's syndrome; Polyposis coli and multiple hard and soft tissue tumors; Intestinal polyposis, osteomas, sebaceous cysts. Identifiers: MedGen C0017097, MONDO:0019336. Disease mechanism: loss of function.
Neoplasm. Also called: tumor; Neoplasms; Neoplasm (disease). Identifiers: MedGen C0027651, MeSH D009369, MONDO:0005070, HP:0002664.

Submissions 1 to 12 of 19:

Labcorp Genetics (formerly Invitae), Labcorp
Classification: Pathogenic for Familial adenomatous polyposis 1. Last evaluated: 2025-04-08. Review status: criteria provided, single submitter. Criteria: Invitae Variant Classification Sherloc (09022015). Collection method: clinical testing. Allele origin: germline.
Comment: This sequence change creates a premature translational stop signal (p.Arg302*) in the APC gene. It is expected to result in an absent or disrupted protein product. Loss-of-function variants in APC are known to be pathogenic (PMID: 17963004, 20685668). This variant is not present in population databases (gnomAD no frequency). This premature translational stop signal has been observed in individual(s) with familial adenomatous polyposis, Gardner syndrome, and colorectal cancer (PMID: 1651563, 11317365, 16317745, 20685668, 23159591, 23561487). ClinVar contains an entry for this variant (Variation ID: 798). RNA analysis performed to evaluate the impact of this premature translational stop signal on mRNA splicing indicates it does not significantly alter splicing (internal data). For these reasons, this variant has been classified as Pathogenic.

Center for Genomic Medicine, Rigshospitalet, Copenhagen University Hospital
Classification: Likely oncogenic for Neoplasm. Last evaluated: 2025-03-04. Review status: criteria provided, single submitter. Criteria: ClinGen/CGC/VICC Guidelines for Oncogenicity, 2022. Collection method: clinical testing. Allele origin: somatic. Affected: yes.

Molecular Pathology, Peter Maccallum Cancer Centre
Classification: Pathogenic for Familial adenomatous polyposis 1. Last evaluated: 2024-01-11. Review status: criteria provided, single submitter. Criteria: ACMG Guidelines, 2015. Collection method: clinical testing. Allele origin: germline. Inheritance: Autosomal dominant inheritance.

All of Us Research Program, National Institutes of Health
Classification: Pathogenic for Classic or attenuated familial adenomatous polyposis. Last evaluated: 2023-11-28. Review status: criteria provided, single submitter. Criteria: ACMG Guidelines, 2015. Collection method: clinical testing. Allele origin: germline. Inheritance: Autosomal dominant inheritance. Observed: 2 variant alleles, 2 heterozygotes.
Comment: This variant is predicted to result in loss of protein function through nonsense-mediated decay or protein truncation. Loss of function is an established mechanism of disease. This variant has been reported in multiple individuals with familial adenomatous polyposis (PMID: 8162022, 20924072, 15857185, 20223039, 23561487, 31942411, 30897307). This variant is absent from large population databases, including the Genome Aggregation Database.

This study involves interpretation of variants in research participants for the purpose of population health screening. Participant phenotype was not available at the time of variant classification. Additional details can be found in publication PMID: 35346344, PMCID: PMC8962531

Myriad Genetics, Inc.
Classification: Pathogenic for Familial adenomatous polyposis 1. Last evaluated: 2023-04-27. Review status: criteria provided, single submitter. Criteria: Myriad Autosomal Dominant, Autosomal Recessive and X-Linked Classification Criteria (2023). Collection method: clinical testing. Allele origin: unknown.
Comment: This variant is considered pathogenic. This variant creates a termination codon and is predicted to result in premature protein truncation.

Ambry Genetics
Classification: Pathogenic for Hereditary cancer-predisposing syndrome. Last evaluated: 2023-02-02. Review status: criteria provided, single submitter. Criteria: Ambry Variant Classification Scheme 2023. Collection method: clinical testing. Allele origin: germline.
Comment: The p.R302* pathogenic mutation (also known as c.904C>T), located in coding exon 8 of the APC gene, results from a C to T substitution at nucleotide position 904. This changes the amino acid from an arginine to a stop codon within coding exon 8. This mutation has previously been reported in multiple individuals with attenuated or classic familial adenomatous polyposis (FAP) (Nishisho I et al. Science. 1991 Aug;253:665-9; Rivera B et al. Ann. Oncol. 2011 Apr;22:903-9; Kerr SE et al. J Mol Diagn. 2013 Jan;15(1):31-43; Torrezan GT et al. Orphanet J Rare Dis. 2013 Apr;8:54). In addition to the clinical data presented in the literature, this alteration is expected to result in loss of function by premature protein truncation or nonsense-mediated mRNA decay. This variant is considered to be rare based on population cohorts in the Genome Aggregation Database (gnomAD). As such, this alteration is interpreted as a disease-causing mutation.

Baylor Genetics
Classification: Likely pathogenic for Familial adenomatous polyposis 1. Last evaluated: 2023-01-23. Review status: criteria provided, single submitter. Criteria: ACMG Guidelines, 2015. Collection method: clinical testing. Allele origin: unknown.

GeneDx
Classification: Pathogenic. Last evaluated: 2021-12-28. Review status: criteria provided, single submitter. Criteria: GeneDx Variant Classification Process June 2021. Collection method: clinical testing. Allele origin: germline. Affected: yes.
Comment: Nonsense variant predicted to result in protein truncation or nonsense mediated decay in a gene for which loss-of-function is a known mechanism of disease; Not observed at significant frequency in large population cohorts (Lek 2016); This variant is associated with the following publications: (PMID: 16317745, 25525159, 16134147, 20223039, 23757202, 1651563, 23561487, 8187091, 11317365, 23159591, 20685668, 12007223, 25801821, 15857185, 26917275, 20924072, 8162022, 26845104, 28127413, 26900293, 27623068, 28944238, 30897307, 32170310, 32603656, 31283021, 31942411, 31588418, 34600484, 30852976)

Color Diagnostics, LLC DBA Color Health
Classification: Pathogenic for Hereditary cancer-predisposing syndrome. Last evaluated: 2020-01-15. Review status: criteria provided, single submitter. Criteria: ACMG Guidelines, 2015. Collection method: clinical testing. Allele origin: germline.
Comment: This variant changes 1 nucleotide in exon 9 of the APC gene, creating a premature translation stop signal. This variant is expected to result in an absent or non-functional protein product. This variant has not been identified in the general population by the Genome Aggregation Database (gnomAD). Loss of APC function is a known mechanism of disease. Based on the available evidence, this variant is classified as Pathogenic.

Women's Health and Genetics/Laboratory Corporation of America, LabCorp
Classification: Pathogenic for Familial adenomatous polyposis. Last evaluated: 2019-04-18. Review status: criteria provided, single submitter. Criteria: LabCorp Variant Classification Summary - May 2015. Collection method: clinical testing. Allele origin: germline.
Comment: Variant summary: APC c.904C>T (p.Arg302X) results in a premature termination codon, predicted to cause a truncation of the encoded protein or absence of the protein due to nonsense mediated decay, which are commonly known mechanisms for disease. Truncations downstream of this position have been classified as pathogenic by our laboratory (c.1690C>T, p.Arg564X; c.2161_2170delGGAAGTGCTG, p.Gly721fsX3; c.3340C>T, p.Arg1114X). The variant was absent in 251112 control chromosomes (gnomAD). The variant, c.904C>T, has been reported in the literature in multiple individuals affected with Familial Adenomatous Polyposis and colorectal cancer (Friedl_2005, Rivera_2010, Lin_2014). These data indicate that the variant is very likely to be associated with disease. To our knowledge, no experimental evidence demonstrating an impact on protein function has been reported. Nine clinical diagnostic laboratories have submitted clinical-significance assessments for this variant to ClinVar after 2014 without evidence for independent evaluation and classified the variant as pathogenic. Based on the evidence outlined above, the variant was classified as pathogenic.

Mendelics
Classification: Pathogenic for Familial adenomatous polyposis 1. Last evaluated: 2018-07-02. Review status: criteria provided, single submitter. Criteria: Mendelics Assertion Criteria 2017. Collection method: clinical testing. Allele origin: unknown.

Quest Diagnostics Nichols Institute San Juan Capistrano
Classification: Pathogenic. Last evaluated: 2017-12-27. Review status: criteria provided, single submitter. Criteria: Quest Diagnostics criteria. Collection method: clinical testing. Allele origin: unknown.
Comment: This nonsense variant causes the premature termination of APC protein synthesis. In addition, it has been reported in individuals with familial adenomatous polyposis (FAP) and colorectal cancer in the published literature (PMIDs: 23561487 (2013), 23159591 (2013), and 1651563 (1991)). Based on the available information, this variant is classified as pathogenic.